The following is an entry in ClinVar:

NM_139318.5(KCNH5):c.161A>G (p.His54Arg)

Gene: KCNH5 (potassium voltage-gated channel subfamily H member 5; minus strand). Cytogenetic location: 14q23.2.
Variant type: single nucleotide variant.
Coding change: c.161A>G on transcript NM_139318.5 (MANE Select); coding-DNA position 161, A replaced by G.
Protein change: p.His54Arg; replaces histidine 54 with arginine.
Molecular consequence: missense variant.
Genome position (GRCh38, 1-based): chr14:63,016,867, T>C on the plus strand (A>G on the coding strand, the complement: KCNH5 is on the minus strand). VCF-style: chr14-63016867-T-C. GRCh37 (hg19) VCF-style: chr14-63483585-T-C.
Other names: c.161A>G, p.His54Arg (NM_172375.3); short protein forms H54R.
Identifiers: ClinVar variation 3372402 (VCV003372402.1).

ClinVar aggregate classification (germline): Uncertain significance (1 of 4 stars; one submission).

gnomAD v4.1: 1 of 1,611,878 alleles (0.000062%); highest among the groups gnomAD compares: South Asian, 0.0011%; no homozygotes.

Submission:

GeneDx
Classification: Uncertain significance. Last evaluated: 2024-04-15. Review status: criteria provided, single submitter. Criteria: GeneDx Variant Classification Process June 2021. Collection method: clinical testing. Allele origin: germline. Affected: yes.
Comment: Not observed at significant frequency in large population cohorts (gnomAD); In silico analysis supports that this missense variant has a deleterious effect on protein structure/function; Has not been previously published as pathogenic or benign to our knowledge